The following is an entry in ClinVar:

NM_001354604.2(MITF):c.1475C>T (p.Pro492Leu)

Gene: MITF (melanocyte inducing transcription factor; plus strand). Cytogenetic location: 3p13.
Variant type: single nucleotide variant.
Coding change: c.1475C>T on transcript NM_001354604.2 (MANE Select); coding-DNA position 1475, C replaced by T.
Protein change: p.Pro492Leu; replaces proline 492 with leucine.
Molecular consequence: missense variant.
Genome position (GRCh38, 1-based): chr3:69,965,142, C>T. VCF-style: chr3-69965142-C-T. GRCh37 (hg19) VCF-style: chr3-70014293-C-T.
Other names: c.1154C>T, p.Pro385Leu (NM_000248.4); c.1301C>T, p.Pro434Leu (NM_001184967.2, NM_001354608.2); c.1472C>T, p.Pro491Leu (NM_001354605.2); c.1454C>T, p.Pro485Leu (NM_001354606.2, NM_006722.3); c.1406C>T, p.Pro469Leu (NM_001354607.2); c.1136C>T, p.Pro379Leu (NM_198158.3); c.1457C>T, p.Pro486Leu (NM_198159.3); c.1409C>T, p.Pro470Leu (NM_198177.3); and 1 more; short protein forms P379L, P385L, P469L, P485L, P486L, P434L, P492L, P323L.
Identifiers: ClinVar variation 4782844 (VCV004782844.1).

ClinVar aggregate classification (germline): Uncertain significance (1 of 4 stars; one submission).

Conditions:
Tietz syndrome (TADS). Also called: ALBINISM-DEAFNESS OF TIETZ; HYPOPIGMENTATION/DEAFNESS OF TIETZ; TIETZ ALBINISM-DEAFNESS SYNDROME. Identifiers: Orphanet 42665, MedGen C0391816, MONDO:0007077, OMIM 103500.
Waardenburg syndrome type 2A (WS2A). Also called: WAARDENBURG SYNDROME WITHOUT DYSTOPIA CANTHORUM. Identifiers: Orphanet 3440, MedGen C1860339, MONDO:0008671, OMIM 193510.
Melanoma, cutaneous malignant, susceptibility to, 8. Also called: MELANOMA AND RENAL CELL CARCINOMA, SUSCEPTIBILITY TO; Cutaneous malignant melanoma 8. Identifiers: Orphanet 293822, MedGen C3152204, MONDO:0013759, OMIM 614456.

Submission:

Labcorp Genetics (formerly Invitae), Labcorp
Classification: Uncertain significance for Melanoma, cutaneous malignant, susceptibility to, 8; Waardenburg syndrome type 2A; Tietz syndrome. Last evaluated: 2025-12-22. Review status: criteria provided, single submitter. Criteria: Invitae Variant Classification Sherloc (09022015). Collection method: clinical testing. Allele origin: germline.
Comment: This sequence change replaces proline, which is neutral and non-polar, with leucine, which is neutral and non-polar, at codon 385 of the MITF protein (p.Pro385Leu). This variant is not present in population databases (gnomAD no frequency). This variant has not been reported in the literature in individuals affected with MITF-related conditions. Invitae Evidence Modeling of protein sequence and biophysical properties (such as structural, functional, and spatial information, amino acid conservation, physicochemical variation, residue mobility, and thermodynamic stability) has been performed for this missense variant. However, the output from this modeling did not meet the statistical confidence thresholds required to predict the impact of this variant on MITF protein function. In summary, the available evidence is currently insufficient to determine the role of this variant in disease. Therefore, it has been classified as a Variant of Uncertain Significance.